The following is an entry in ClinVar:

ClinVar aggregate classification (germline): Benign. Review status: criteria provided, multiple submitters, no conflicts (2 of 4 stars). 4 submissions from 4 submitters: Benign (2). 2 of the submissions do not count toward it. Last evaluated 2018-01-12.

Conditions:
PRSS12-related disorder. Also called: PRSS12-related condition.
Intellectual developmental disorder, autosomal recessive 1. Also called: MENTAL RETARDATION, AUTOSOMAL RECESSIVE 1; Intellectual disability, autosomal recessive 1. Identifiers: Orphanet 88616, MedGen C1855304, MONDO:0009580, OMIM 249500.

Allele frequency attached by ClinVar (database versions not stated): gnomAD exomes 0.00291 and 0.01074; ExAC 0.01032; ESP Exome Variant Server 0.01092; gnomAD 0.01208 and 0.01228; TOPMed 0.01453; 1000 Genomes Project 0.02696; 1000 Genomes Project 30x 0.02795.

Submissions (17):

Illumina Laboratory Services, Illumina
Classification: Benign for Intellectual developmental disorder, autosomal recessive 1. Last evaluated: 2018-01-12. Review status: criteria provided, single submitter. Criteria: ICSL Variant Classification Criteria 13 December 2019. Collection method: clinical testing. Allele origin: germline.
Comment: This variant was observed in the ICSL laboratory as part of a predisposition screen in an ostensibly healthy population. It had not been previously curated by ICSL or reported in the Human Gene Mutation Database (HGMD: prior to June 1st, 2018), and was therefore a candidate for classification through an automated scoring system. Utilizing variant allele frequency, disease prevalence and penetrance estimates, and inheritance mode, an automated score was calculated to assess if this variant is too frequent to cause the disease. Based on the score and internal cut-off values, a variant classified as benign is not then subjected to further curation. The score for this variant resulted in a classification of benign for this disease.

Breakthrough Genomics
Classification: Benign. Review status: criteria provided, single submitter. Criteria: ACMG Guidelines, 2015. Collection method: not provided. Allele origin: germline. Inheritance: Autosomal recessive inheritance. Affected: yes.

PreventionGenetics, part of Exact Sciences
Classification: Benign for PRSS12-related condition. Last evaluated: 2019-07-12. Review status: no assertion criteria provided. Collection method: clinical testing. Allele origin: germline. Not counted in ClinVar's aggregate classification.
Comment: This variant is classified as benign based on ACMG/AMP sequence variant interpretation guidelines (Richards et al. 2015 PMID: 25741868, with internal and published modifications).

Dr. Peter K. Rogan Lab, Western University
No classification provided (evidence only). Condition: Acute myeloid leukemia. Review status: no classification provided. Collection method: in vitro. Allele origin: not applicable. Functional consequence: retained intron. Not counted in ClinVar's aggregate classification.

Dr. Peter K. Rogan Lab, Western University
No classification provided (evidence only). Condition: Colon adenocarcinoma. Review status: no classification provided. Collection method: in vitro. Allele origin: not applicable. Functional consequence: retained intron. Not counted in ClinVar's aggregate classification.

Dr. Peter K. Rogan Lab, Western University
No classification provided (evidence only). Condition: Cervical cancer. Review status: no classification provided. Collection method: in vitro. Allele origin: not applicable. Functional consequence: retained intron. Not counted in ClinVar's aggregate classification.

Dr. Peter K. Rogan Lab, Western University
No classification provided (evidence only). Condition: Cervical cancer. Review status: no classification provided. Collection method: in vitro. Allele origin: not applicable. Functional consequence: retained intron. Not counted in ClinVar's aggregate classification.

Dr. Peter K. Rogan Lab, Western University
No classification provided (evidence only). Condition: Cervical cancer. Review status: no classification provided. Collection method: in vitro. Allele origin: not applicable. Functional consequence: retained intron. Not counted in ClinVar's aggregate classification.

Dr. Peter K. Rogan Lab, Western University
No classification provided (evidence only). Condition: Cervical cancer. Review status: no classification provided. Collection method: in vitro. Allele origin: not applicable. Functional consequence: retained intron. Not counted in ClinVar's aggregate classification.

Dr. Peter K. Rogan Lab, Western University
No classification provided (evidence only). Condition: Cervical cancer. Review status: no classification provided. Collection method: in vitro. Allele origin: not applicable. Functional consequence: retained intron. Not counted in ClinVar's aggregate classification.

Dr. Peter K. Rogan Lab, Western University
No classification provided (evidence only). Condition: Thymoma. Review status: no classification provided. Collection method: in vitro. Allele origin: not applicable. Functional consequence: retained intron. Not counted in ClinVar's aggregate classification.

Dr. Peter K. Rogan Lab, Western University
No classification provided (evidence only). Condition: Malignant tumor of esophagus. Review status: no classification provided. Collection method: in vitro. Allele origin: not applicable. Functional consequence: retained intron. Not counted in ClinVar's aggregate classification.

Dr. Peter K. Rogan Lab, Western University
No classification provided (evidence only). Condition: Malignant tumor of esophagus. Review status: no classification provided. Collection method: in vitro. Allele origin: not applicable. Functional consequence: retained intron. Not counted in ClinVar's aggregate classification.

Dr. Peter K. Rogan Lab, Western University
No classification provided (evidence only). Condition: Malignant tumor of esophagus. Review status: no classification provided. Collection method: in vitro. Allele origin: not applicable. Functional consequence: retained intron. Not counted in ClinVar's aggregate classification.

Dr. Peter K. Rogan Lab, Western University
No classification provided (evidence only). Condition: Malignant tumor of esophagus. Review status: no classification provided. Collection method: in vitro. Allele origin: not applicable. Functional consequence: retained intron. Not counted in ClinVar's aggregate classification.

Dr. Peter K. Rogan Lab, Western University
No classification provided (evidence only). Condition: Malignant tumor of esophagus. Review status: no classification provided. Collection method: in vitro. Allele origin: not applicable. Functional consequence: retained intron. Not counted in ClinVar's aggregate classification.

Genetic Services Laboratory, University of Chicago
Classification: Likely benign for AllHighlyPenetrant. Review status: no assertion criteria provided. Collection method: clinical testing. Allele origin: germline. Inheritance: Autosomal recessive inheritance. Not counted in ClinVar's aggregate classification.
Comment: Likely benign based on allele frequency in 1000 Genomes Project or ESP global frequency and its presence in a patient with a rare or unrelated disease phenotype. NOT Sanger confirmed.

NM_003619.4(PRSS12):c.1272T>G (p.Val424=)

Gene: PRSS12 (serine protease 12; minus strand). Cytogenetic location: 4q26.
Variant type: single nucleotide variant.
Coding change: c.1272T>G on transcript NM_003619.4 (MANE Select); coding-DNA position 1272, T replaced by G.
Protein change: p.Val424=; no amino-acid change (valine 424 retained).
Molecular consequence: synonymous variant.
Genome position (GRCh38, 1-based): chr4:118,316,202, A>C on the plus strand (T>G on the coding strand, the complement: PRSS12 is on the minus strand). VCF-style: chr4-118316202-A-C. GRCh37 (hg19) VCF-style: chr4-119237357-A-C.
Other names: NC_000004.11:g.119237357A>C.
Identifiers: ClinVar variation 130040 (VCV000130040.13), dbSNP rs2292598, ClinGen allele CA154785.